The following is an entry in ClinVar:

ClinVar aggregate classification (germline): Uncertain significance (1 of 4 stars; one submission).

gnomAD v4.1: 29 of 1,614,214 alleles (0.0018%); highest among the groups gnomAD compares: Non-Finnish European, 0.0021%; no homozygotes.

Submission:

Labcorp Genetics (formerly Invitae), Labcorp
Classification: Uncertain significance. Last evaluated: 2025-04-23. Review status: criteria provided, single submitter. Criteria: Invitae Variant Classification Sherloc (09022015). Collection method: clinical testing. Allele origin: germline.
Comment: This sequence change replaces tyrosine, which is neutral and polar, with cysteine, which is neutral and slightly polar, at codon 3904 of the MACF1 protein (p.Tyr3904Cys). This variant is present in population databases (rs201353828, gnomAD 0.002%). This variant has not been reported in the literature in individuals affected with MACF1-related conditions. An algorithm developed to predict the effect of missense changes on protein structure and function (PolyPhen-2) suggests that this variant is likely to be disruptive. In summary, the available evidence is currently insufficient to determine the role of this variant in disease. Therefore, it has been classified as a Variant of Uncertain Significance.

NM_001394062.1(MACF1):c.17897A>G (p.Tyr5966Cys)

Gene: MACF1 (microtubule actin crosslinking factor 1; plus strand). Cytogenetic location: 1p34.3.
Variant type: single nucleotide variant.
Coding change: c.17897A>G on transcript NM_001394062.1 (MANE Select); coding-DNA position 17897, A replaced by G.
Protein change: p.Tyr5966Cys; replaces tyrosine 5966 with cysteine.
Molecular consequence: missense variant.
Genome position (GRCh38, 1-based): chr1:39,435,670, A>G. VCF-style: chr1-39435670-A-G. GRCh37 (hg19) VCF-style: chr1-39901342-A-G.
Other names: c.5966A>G, p.Tyr1989Cys (NM_001397473.1); c.11711A>G, p.Tyr3904Cys (NM_012090.5); short protein forms Y5966C, Y1989C, Y3904C.
Identifiers: ClinVar variation 4770501 (VCV004770501.1).